The following is an entry in ClinVar:

NM_012463.4(ATP6V0A2):c.2056-333C>T

Gene: ATP6V0A2 (ATPase H+ transporting V0 subunit a2; plus strand). Cytogenetic location: 12q24.31.
Variant type: single nucleotide variant.
Coding change: c.2056-333C>T on transcript NM_012463.4 (MANE Select); 333 bases into the intron before coding-DNA position 2056, C replaced by T.
Molecular consequence: intron variant.
Genome position (GRCh38, 1-based): chr12:123,751,950, C>T. VCF-style: chr12-123751950-C-T. GRCh37 (hg19) VCF-style: chr12-124236497-C-T.
Identifiers: ClinVar variation 683169 (VCV000683169.1), dbSNP rs7309294, ClinGen allele CA245204557.

ClinVar aggregate classification (germline): Benign (1 of 4 stars; one submission).

Allele frequency attached by ClinVar (database versions not stated): gnomAD 0.99192 and 0.99223; TOPMed 0.99379; 1000 Genomes Project 0.99720; 1000 Genomes Project 30x 0.99750.
gnomAD v4.1: 149,129 of 150,284 alleles (99%); highest among the groups gnomAD compares: Middle Eastern, 100%; 73,997 homozygotes.

Submission:

GeneDx
Classification: Benign. Last evaluated: 2018-06-18. Review status: criteria provided, single submitter. Criteria: GeneDx Variant Classification (06012015). Collection method: clinical testing. Allele origin: germline. Affected: yes.
Comment: This variant is considered likely benign or benign based on one or more of the following criteria: it is a conservative change, it occurs at a poorly conserved position in the protein, it is predicted to be benign by multiple in silico algorithms, and/or has population frequency not consistent with disease.